The following is an entry in ClinVar:

NM_000168.6(GLI3):c.*741A>G

Gene: GLI3 (GLI family zinc finger 3; minus strand). Cytogenetic location: 7p14.1.
Variant type: single nucleotide variant.
Coding change: c.*741A>G on transcript NM_000168.6 (MANE Select); 741 bases downstream of the stop codon, A replaced by G.
Molecular consequence: 3 prime UTR variant.
Genome position (GRCh38, 1-based): chr7:41,963,589, T>C on the plus strand (A>G on the coding strand, the complement: GLI3 is on the minus strand). VCF-style: chr7-41963589-T-C. GRCh37 (hg19) VCF-style: chr7-42003187-T-C.
Identifiers: ClinVar variation 360204 (VCV000360204.5), dbSNP rs114615136, ClinGen allele CA10626089.
Genomic context (GRCh38, chr7:41,963,589, plus strand): 5'-GAAACAGCACTGAATGTTCATGAAGGTAGTGGGAGGAGAGGCAAATGTGATAACTGAGAA[T>C]CGACCATACAGACATAGCCTCCCCCAAAGCACACTTACAGACATGAAGAGCTGAAAACCA-3'

ClinVar aggregate classification (germline): Benign. Review status: criteria provided, single submitter (1 of 4 stars). 3 submissions from 1 submitter: Benign (3). Last evaluated 2018-01-13.

Conditions:
Greig cephalopolysyndactyly syndrome (GCPS). Also called: POLYSYNDACTYLY WITH PECULIAR SKULL SHAPE; Greig syndrome; GLI3-Related Greig Cephalopolysyndactyly Syndrome. Identifiers: Orphanet 380, MedGen C0265306, MONDO:0008287, OMIM 175700.
Pallister-Hall syndrome (PHS). Also called: HYPOTHALAMIC HAMARTOBLASTOMA, HYPOPITUITARISM, IMPERFORATE ANUS, AND POSTAXIAL POLYDACTYLY; GLI3-Related Pallister-Hall Syndrome. Identifiers: Orphanet 672, MedGen C0265220, MONDO:0007804, OMIM 146510.
Polydactyly. Also called: polydactylism. Identifiers: MedGen C0152427, MONDO:0021003, OMIM 603596, HP:0010442.

Allele frequency attached by ClinVar (database versions not stated): gnomAD exomes 0.07143; 1000 Genomes Project 0.07488; 1000 Genomes Project 30x 0.07558; gnomAD 0.08419 and 0.08538; TOPMed 0.08533.
gnomAD v4.1: 12,828 of 152,250 alleles (8.4%); highest among the groups gnomAD compares: African/African-American, 11%; 574 homozygotes.

Submissions (3):

Illumina Laboratory Services, Illumina
Classification: Benign for Pallister-Hall syndrome. Last evaluated: 2018-01-13. Review status: criteria provided, single submitter. Criteria: ICSL Variant Classification Criteria 13 December 2019. Collection method: clinical testing. Allele origin: germline.
Comment: This variant was observed in the ICSL laboratory as part of a predisposition screen in an ostensibly healthy population. It had not been previously curated by ICSL or reported in the Human Gene Mutation Database (HGMD: prior to June 1st, 2018), and was therefore a candidate for classification through an automated scoring system. Utilizing variant allele frequency, disease prevalence and penetrance estimates, and inheritance mode, an automated score was calculated to assess if this variant is too frequent to cause the disease. Based on the score and internal cut-off values, a variant classified as benign is not then subjected to further curation. The score for this variant resulted in a classification of benign for this disease.

Illumina Laboratory Services, Illumina
Classification: Benign for Greig cephalopolysyndactyly syndrome. Last evaluated: 2018-01-13. Review status: criteria provided, single submitter. Criteria: ICSL Variant Classification Criteria 13 December 2019. Collection method: clinical testing. Allele origin: germline.
Comment: the same text as in the submission from Illumina Laboratory Services, Illumina above.

Illumina Laboratory Services, Illumina
Classification: Benign for Polydactyly. Last evaluated: 2018-01-13. Review status: criteria provided, single submitter. Criteria: ICSL Variant Classification Criteria 13 December 2019. Collection method: clinical testing. Allele origin: germline.
Comment: the same text as in the submission from Illumina Laboratory Services, Illumina above.